The following is an entry in ClinVar:

ClinVar aggregate classification (germline): Uncertain significance (1 of 4 stars; one submission).

Allele frequency attached by ClinVar (database versions not stated): TOPMed 0.00006.
gnomAD v4.1: 78 of 1,596,036 alleles (0.0049%); highest among the groups gnomAD compares: Non-Finnish European, 0.0056%; no homozygotes.

Submission:

Labcorp Genetics (formerly Invitae), Labcorp
Classification: Uncertain significance. Last evaluated: 2025-06-01. Review status: criteria provided, single submitter. Criteria: Invitae Variant Classification Sherloc (09022015). Collection method: clinical testing. Allele origin: germline.
Comment: This sequence change falls in intron 29 of the ITPR1 gene. It does not directly change the encoded amino acid sequence of the ITPR1 protein. It affects a nucleotide within the consensus splice site. The frequency data for this variant in the population databases is considered unreliable, as metrics indicate poor data quality at this position in the gnomAD database. This variant has not been reported in the literature in individuals affected with ITPR1-related conditions. ClinVar contains an entry for this variant (Variation ID: 1018193). Variants that disrupt the consensus splice site are a relatively common cause of aberrant splicing (PMID: 17576681, 9536098). Algorithms developed to predict the effect of sequence changes on RNA splicing suggest that this variant is not likely to affect RNA splicing. In summary, the available evidence is currently insufficient to determine the role of this variant in disease. Therefore, it has been classified as a Variant of Uncertain Significance.

Literature cited by the submitters: PubMed 17576681; PubMed 9536098.

NM_001378452.1(ITPR1):c.3702+6C>T

Gene: ITPR1 (inositol 1,4,5-trisphosphate receptor type 1; plus strand). Cytogenetic location: 3p26.1.
Variant type: single nucleotide variant.
Coding change: c.3702+6C>T on transcript NM_001378452.1 (MANE Select); 6 bases into the intron after coding-DNA position 3702, C replaced by T.
Molecular consequence: intron variant.
Genome position (GRCh38, 1-based): chr3:4,685,212, C>T. VCF-style: chr3-4685212-C-T. GRCh37 (hg19) VCF-style: chr3-4726896-C-T.
Other names: c.3675+6C>T (NM_001099952.4); c.3657+6C>T (NM_001168272.2); c.3630+6C>T (NM_002222.7).
Identifiers: ClinVar variation 1018193 (VCV001018193.5), dbSNP rs542846100, ClinGen allele CA2231773.